The following is an entry in ClinVar:

NM_001165963.4(SCN1A):c.1139C>T (p.Thr380Ile)

Gene: SCN1A (sodium voltage-gated channel alpha subunit 1; minus strand). Cytogenetic location: 2q24.3.
Variant type: single nucleotide variant.
Coding change: c.1139C>T on transcript NM_001165963.4 (MANE Select); coding-DNA position 1139, C replaced by T.
Protein change: p.Thr380Ile; replaces threonine 380 with isoleucine.
Molecular consequence: missense variant. On other transcripts: 5 prime UTR variant (1), non-coding transcript variant (1).
Genome position (GRCh38, 1-based): chr2:166,047,658, G>A on the plus strand (C>T on the coding strand, the complement: SCN1A is on the minus strand). VCF-style: chr2-166047658-G-A. GRCh37 (hg19) VCF-style: chr2-166904168-G-A.
Other names: c.1139C>T, p.Thr380Ile (NM_001165964.3, NM_001202435.3, NM_001353948.2 and 10 more transcripts); c.-1287C>T (NM_001353961.2); short protein forms T380I.
Identifiers: ClinVar variation 2851054 (VCV002851054.3), dbSNP rs2468188806, ClinGen allele CA349071133.

ClinVar aggregate classification (germline): Uncertain significance (1 of 4 stars; one submission).

Conditions:
Early-infantile DEE. Also called: Ohtahara syndrome; Early infantile epileptic encephalopathy with suppression bursts; Early infantile epileptic encephalopathy. Identifiers: Orphanet 1934, MedGen C0393706, MONDO:0800491.

Submission:

Labcorp Genetics (formerly Invitae), Labcorp
Classification: Uncertain significance for Early-infantile DEE. Last evaluated: 2023-08-24. Review status: criteria provided, single submitter. Criteria: Invitae Variant Classification Sherloc (09022015). Collection method: clinical testing. Allele origin: germline.
Comment: In summary, the available evidence is currently insufficient to determine the role of this variant in disease. Therefore, it has been classified as a Variant of Uncertain Significance. Advanced modeling of protein sequence and biophysical properties (such as structural, functional, and spatial information, amino acid conservation, physicochemical variation, residue mobility, and thermodynamic stability) performed at Invitae indicates that this missense variant is expected to disrupt SCN1A protein function. This missense change has been observed in individual(s) with epilepsy (Invitae). This variant is not present in population databases (gnomAD no frequency). This sequence change replaces threonine, which is neutral and polar, with isoleucine, which is neutral and non-polar, at codon 380 of the SCN1A protein (p.Thr380Ile).